The following is an entry in ClinVar:

ClinVar aggregate classification (germline): Pathogenic (1 of 4 stars; one submission).

Conditions:
USH2A-related disorder. Also called: USH2A-related condition; USH2A-related disorders. Identifiers: MedGen CN239332.

Submission:

Myriad Genetics, Inc.
Classification: Pathogenic for USH2A-related disorder. Last evaluated: 2025-06-30. Review status: criteria provided, single submitter. Criteria: Myriad Autosomal Dominant, Autosomal Recessive and X-Linked Classification Criteria (2023). Collection method: clinical testing. Allele origin: unknown.
Comment: NM_206933.2(USH2A):c.223dupA(S75Kfs*33) is a frameshift variant classified as pathogenic in the context of USH2A-related disorders. S75Kfs*33 has not been observed in cases with relevant disease. Relevant functional assessments of this variant are not available in the literature. S75Kfs*33 has not been observed in referenced population frequency databases. In summary, NM_206933.2(USH2A):c.223dupA(S75Kfs*33) is a frameshift variant in a gene where loss of function is a known mechanism of disease and is predicted to disrupt protein function. Please note: this variant was assessed in the context of healthy population screening.

NM_206933.4(USH2A):c.223dup (p.Ser75fs)

Gene: USH2A (usherin; minus strand). Cytogenetic location: 1q41.
Variant type: Duplication.
Coding change: c.223dup on transcript NM_206933.4 (MANE Select); coding-DNA position 223, one base duplicated (A; older notation c.223dupA).
Protein change: p.Ser75fs; shifts the reading frame from serine 75.
Molecular consequence: frameshift variant.
Genome position (GRCh38, 1-based): chr1:216,422,114, T duplicated on the plus strand (A on the coding strand, the reverse complement: USH2A is on the minus strand); the first of 3 consecutive T bases (chr1:216,422,114-216,422,116); duplicating any one gives the same sequence. VCF-style (leftmost placement, unchanged base first): chr1-216422113-C-CT. GRCh37 (hg19) VCF-style: chr1-216595455-C-CT.
Other names: c.223dup, p.Ser75fs (NM_007123.6); short protein forms S75fs.
Identifiers: ClinVar variation 4081857 (VCV004081857.1).